The following is an entry in ClinVar:

ClinVar aggregate classification (germline): Uncertain significance (1 of 4 stars; one submission).

gnomAD v4.1: 2 of 1,613,124 alleles (0.00012%); highest among the groups gnomAD compares: Non-Finnish European, 0.00017%; no homozygotes.

Submission:

Labcorp Genetics (formerly Invitae), Labcorp
Classification: Uncertain significance. Last evaluated: 2024-01-19. Review status: criteria provided, single submitter. Criteria: Invitae Variant Classification Sherloc (09022015). Collection method: clinical testing. Allele origin: germline.
Comment: This sequence change replaces valine, which is neutral and non-polar, with methionine, which is neutral and non-polar, at codon 5 of the RIMS1 protein (p.Val5Met). This variant is not present in population databases (gnomAD no frequency). This variant has not been reported in the literature in individuals affected with RIMS1-related conditions. ClinVar contains an entry for this variant (Variation ID: 1497145). An algorithm developed to predict the effect of missense changes on protein structure and function (PolyPhen-2) suggests that this variant is likely to be tolerated. In summary, the available evidence is currently insufficient to determine the role of this variant in disease. Therefore, it has been classified as a Variant of Uncertain Significance.

NM_014989.7(RIMS1):c.13G>A (p.Val5Met)

Genes: RIMS1 (regulating synaptic membrane exocytosis 1; plus strand), LOC129996708 (ATAC-STARR-seq lymphoblastoid silent region 17328; plus strand). Cytogenetic location: 6q13.
Variant type: single nucleotide variant.
Coding change: c.13G>A on transcript NM_014989.7 (MANE Select); coding-DNA position 13, G replaced by A.
Protein change: p.Val5Met; replaces valine 5 with methionine.
Molecular consequence: missense variant.
Genome position (GRCh38, 1-based): chr6:71,887,036, G>A. VCF-style: chr6-71887036-G-A. GRCh37 (hg19) VCF-style: chr6-72596739-G-A.
Other names: c.13G>A, p.Val5Met (NM_001350411.1, NM_001350412.1, NM_001350413.1); short protein forms V5M.
Identifiers: ClinVar variation 1497145 (VCV001497145.6), dbSNP rs767496116, ClinGen allele CA364817673.
Genomic context (GRCh38, chr6:71,887,036, plus strand): 5'-AAAGGTGAGAGCCAGAGAGCGAGCAGAGGGGGCGGGCAGGCCACGAAAATGTCCTCGGCC[G>A]TGGGGCCCCGCGGTCCTCGCCCACCCACGGTGCCTCCCCCCATGCAAGAGCTGCCCGACC-3'
Protein context (NP_055804.2, residues 1-15): MSSA[Val5Met]GPRGPRPPTV